The following is an entry in ClinVar:

NM_000361.3(THBD):c.1433C>T (p.Thr478Ile)

Gene: THBD (thrombomodulin; minus strand). Cytogenetic location: 20p11.21.
Variant type: single nucleotide variant.
Coding change: c.1433C>T on transcript NM_000361.3 (MANE Select); coding-DNA position 1433, C replaced by T.
Protein change: p.Thr478Ile; replaces threonine 478 with isoleucine.
Molecular consequence: missense variant.
Genome position (GRCh38, 1-based): chr20:23,048,072, G>A on the plus strand (C>T on the coding strand, the complement: THBD is on the minus strand). VCF-style: chr20-23048072-G-A. GRCh37 (hg19) VCF-style: chr20-23028709-G-A.
Other names: p.Thr478Ile; short protein forms T478I.
Identifiers: ClinVar variation 627236 (VCV000627236.7), dbSNP rs574192210, ClinGen allele CA313550654.

ClinVar aggregate classification (germline): Uncertain significance. Review status: criteria provided, multiple submitters, no conflicts (2 of 4 stars). 4 submissions from 4 submitters: Uncertain significance (4). Last evaluated 2026-09-17.

Conditions:
Thrombomodulin-related bleeding disorder (THPH12). Also called: Thrombophilia due to thrombomodulin defect. Identifiers: Orphanet 436169, MedGen C3280976, MONDO:0013775, OMIM 614486.
Abnormal bleeding. Also called: Bleeding diathesis. Identifiers: MedGen C1458140, HP:0001892.

Allele frequency attached by ClinVar (database versions not stated): gnomAD 0.00002; gnomAD exomes 0.00002; TOPMed 0.00002.

Submissions (4):

Genomenon, Inc
Classification: Uncertain significance for Thrombomodulin-related bleeding disorder. Last evaluated: 2026-09-17. Review status: criteria provided, single submitter. Criteria: Genomenon Sequence Variant Interpretation Standards - Updated. Collection method: curation. Allele origin: germline. Affected: yes.
Comment: THBD p.Thr478Ile (c.1433C>T) is a missense variant that changes the amino acid at codon 478 from threonine to isoleucine. This variant has been observed in at least one proband affected with thrombomodulin-related bleeding disorder (PMID:31064749). Functional studies have been reported (PMID:39841007). It is absent or not present at a significant frequency in gnomAD. In silico models predict that this variant is not damaging. In conclusion, we classify THBD p.Thr478Ile (c.1433C>T) as a variant of uncertain significance.

Labcorp Genetics (formerly Invitae), Labcorp
Classification: Uncertain significance. Last evaluated: 2025-09-17. Review status: criteria provided, single submitter. Criteria: Invitae Variant Classification Sherloc (09022015). Collection method: clinical testing. Allele origin: germline.
Comment: This sequence change replaces threonine, which is neutral and polar, with isoleucine, which is neutral and non-polar, at codon 478 of the THBD protein (p.Thr478Ile). This variant is present in population databases (rs574192210, gnomAD 0.004%). This missense change has been observed in individual(s) with clinical features of THBD-related conditions (PMID: 31064749). ClinVar contains an entry for this variant (Variation ID: 627236). Invitae Evidence Modeling of protein sequence and biophysical properties (such as structural, functional, and spatial information, amino acid conservation, physicochemical variation, residue mobility, and thermodynamic stability) indicates that this missense variant is not expected to disrupt THBD protein function with a negative predictive value of 80%. In summary, the available evidence is currently insufficient to determine the role of this variant in disease. Therefore, it has been classified as a Variant of Uncertain Significance.

Mayo Clinic Laboratories, Mayo Clinic
Classification: Uncertain significance. Last evaluated: 2025-02-01. Review status: criteria provided, single submitter. Criteria: ACMG Guidelines, 2015. Collection method: clinical testing. Allele origin: germline. Observed: 1 variant allele.
Comment: BP4

NIHR Bioresource Rare Diseases, University of Cambridge
Classification: Uncertain significance for Abnormal bleeding. Last evaluated: 2019-02-01. Review status: criteria provided, single submitter. Criteria: ACMG Guidelines, 2015. Collection method: research. Allele origin: unknown. Affected: yes. Observed: 1 heterozygote. Study: ThromboGenomics.

Literature cited by the submitters: PubMed 31064749 (cited by 4 submitters); PubMed 39841007 (cited by Genomenon, Inc).